The following is an entry in ClinVar:

NM_001190274.2(FBXO11):c.2681C>T (p.Thr894Ile)

Genes: FBXO11 (F-box protein 11; minus strand), MSH6 (mutS homolog 6; plus strand). Cytogenetic location: 2p16.3.
Variant type: single nucleotide variant.
Coding change: c.2681C>T on transcript NM_001190274.2 (MANE Select); coding-DNA position 2681, C replaced by T.
Protein change: p.Thr894Ile; replaces threonine 894 with isoleucine.
Molecular consequence: missense variant. On other transcripts: intron variant (6).
Genome position (GRCh38, 1-based): chr2:47,808,221, G>A on the plus strand (C>T on the coding strand, the complement: FBXO11 is on the minus strand). VCF-style: chr2-47808221-G-A. GRCh37 (hg19) VCF-style: chr2-48035360-G-A.
Other names: c.*40+1321G>A (NM_001406811.1, NM_001406805.1, NM_001406821.1 and 2 more transcripts); c.2429C>T, p.Thr810Ile (NM_001374325.1, NM_025133.4); c.*43+1318G>A (NM_001406809.1); short protein forms T810I, T894I.
Identifiers: ClinVar variation 3385392 (VCV003385392.2).

ClinVar aggregate classification (germline): Uncertain significance (1 of 4 stars; one submission).

Conditions:
Intellectual developmental disorder with dysmorphic facies and behavioral abnormalities. Identifiers: MedGen C4748135, MONDO:0060760, OMIM 618089.

Submission:

Institute of Human Genetics, University of Leipzig Medical Center
Classification: Uncertain significance for Intellectual developmental disorder with dysmorphic facies and behavioral abnormalities. Last evaluated: 2024-11-12. Review status: criteria provided, single submitter. Criteria: ACMG Guidelines, 2015. Collection method: clinical testing. Allele origin: unknown. Inheritance: Autosomal dominant inheritance. Affected: yes.
Comment: Criteria applied: PM2,PM1_SUP,PP2,PP3